The following is an entry in ClinVar:

ClinVar aggregate classification (germline): Likely benign (0 of 4 stars; one submission).

Conditions:
RIPK4-related disorder. Also called: RIPK4-related condition.

Allele frequency attached by ClinVar (database versions not stated): gnomAD exomes 0.00002; ExAC 0.00007; gnomAD 0.00022; TOPMed 0.00026; ESP Exome Variant Server 0.00031.
gnomAD v4.1: 60 of 1,613,208 alleles (0.0037%); highest among the groups gnomAD compares: African/African-American, 0.067%; no homozygotes.

Submission:

PreventionGenetics, part of Exact Sciences
Classification: Likely benign for RIPK4-related condition. Last evaluated: 2019-03-16. Review status: no assertion criteria provided. Collection method: clinical testing. Allele origin: germline.
Comment: This variant is classified as likely benign based on ACMG/AMP sequence variant interpretation guidelines (Richards et al. 2015 PMID: 25741868, with internal and published modifications).

NM_020639.3(RIPK4):c.1569G>A (p.Leu523=)

Gene: RIPK4 (receptor interacting serine/threonine kinase 4; minus strand). Cytogenetic location: 21q22.3.
Variant type: single nucleotide variant.
Coding change: c.1569G>A on transcript NM_020639.3 (MANE Select); coding-DNA position 1569, G replaced by A.
Protein change: p.Leu523=; no amino-acid change (leucine 523 retained).
Molecular consequence: synonymous variant.
Genome position (GRCh38, 1-based): chr21:41,741,624, C>T on the plus strand (G>A on the coding strand, the complement: RIPK4 is on the minus strand). VCF-style: chr21-41741624-C-T. GRCh37 (hg19) VCF-style: chr21-43161784-C-T.
Identifiers: ClinVar variation 3046398 (VCV003046398.2), dbSNP rs147543398, ClinGen allele CA10035274.